The following is an entry in ClinVar:

NM_001042492.3(NF1):c.2325+3A>G

Gene: NF1 (neurofibromin 1; plus strand). Cytogenetic location: 17q11.2.
Variant type: single nucleotide variant.
Coding change: c.2325+3A>G on transcript NM_001042492.3 (MANE Select); 3 bases into the intron after coding-DNA position 2325, A replaced by G.
Molecular consequence: intron variant.
Genome position (GRCh38, 1-based): chr17:31,227,294, A>G. VCF-style: chr17-31227294-A-G. GRCh37 (hg19) VCF-style: chr17-29554312-A-G.
Other names: c.2325+3A>G (NM_000267.4, NM_001042492.2).
Identifiers: ClinVar variation 372550 (VCV000372550.21), dbSNP rs1057517848, ClinGen allele CA16043041.

ClinVar aggregate classification (germline): Pathogenic/Likely pathogenic. Review status: criteria provided, multiple submitters, no conflicts (2 of 4 stars). 8 submissions from 8 submitters: Pathogenic (4); Likely pathogenic (4). Last evaluated 2026-07-28.

Conditions:
Neurofibromatosis, type 1 (NF1). Also called: Neurofibromatosis, type I; VON RECKLINGHAUSEN DISEASE; NEUROFIBROMATOSIS, TYPE I, SOMATIC; Peripheral type neurofibromatosis. Identifiers: Orphanet 636, MedGen C0027831, MONDO:0018975, OMIM 162200. Disease mechanism: loss of function.
Hereditary cancer-predisposing syndrome. Also called: Tumor predisposition; Neoplastic Syndromes, Hereditary; Hereditary neoplastic syndrome; Hereditary Cancer Syndrome. Identifiers: Orphanet 140162, MedGen C0027672, MeSH D009386, MONDO:0015356.
Cardiovascular phenotype. Identifiers: MedGen CN230736.

Submissions (8):

GeneDx
Classification: Pathogenic. Last evaluated: 2026-07-28. Review status: criteria provided, single submitter. Criteria: GeneDx Variant Classification Process June 2021. Collection method: clinical testing. Allele origin: germline.
Comment: Non-canonical splice site variant demonstrated to result in aberrant splicing leading to predicted loss of function (PMID: 27322474); Not observed at significant frequency in large population cohorts (gnomAD); This variant is associated with the following publications: (PMID: 23913538, 27322474)

Quest Diagnostics Nichols Institute San Juan Capistrano
Classification: Likely pathogenic. Last evaluated: 2025-06-27. Review status: criteria provided, single submitter. Criteria: Quest Diagnostics criteria. Collection method: clinical testing. Allele origin: unknown.
Comment: The NF1 c.2325+3A>G variant has been reported in the published literature in individuals with neurofibromatosis 1 (NF1) (PMID: 23913538 (2013)). Experimental studies show that this variant leads to altered splicing resulting in skipping of exon 19 (exon 14 as per legacy nomenclature) (PMID: 23913538 (2013)). This variant has not been reported in large, multi-ethnic general populations (Genome Aggregation Database). Analysis of this variant using software algorithms for the prediction of the effect of nucleotide changes on NF1 mRNA splicing yielded inconclusive findings. Based on the available information, this variant is classified as likely pathogenic.

Labcorp Genetics (formerly Invitae), Labcorp
Classification: Pathogenic for Neurofibromatosis, type 1. Last evaluated: 2025-04-08. Review status: criteria provided, single submitter. Criteria: Invitae Variant Classification Sherloc (09022015). Collection method: clinical testing. Allele origin: germline.
Comment: This sequence change falls in intron 19 of the NF1 gene. It does not directly change the encoded amino acid sequence of the NF1 protein. RNA analysis indicates that this variant induces altered splicing and may result in an absent or altered protein product. This variant is not present in population databases (gnomAD no frequency). This variant has been observed in individual(s) with neurofibromatosis type 1 (PMID: 23913538; internal data). In at least one individual the variant was observed to be de novo. ClinVar contains an entry for this variant (Variation ID: 372550). Variants that disrupt the consensus splice site are a relatively common cause of aberrant splicing (PMID: 17576681, 9536098). Studies have shown that this variant results in skipping of exon 19, and produces a non-functional protein and/or introduces a premature termination codon (PMID: 23913538). For these reasons, this variant has been classified as Pathogenic.

Clinical Genetics Laboratory, Skane University Hospital Lund
Classification: Likely pathogenic. Last evaluated: 2022-05-27. Review status: criteria provided, single submitter. Criteria: ACMG Guidelines, 2015. Collection method: clinical testing. Allele origin: germline. Affected: yes.

Genome-Nilou Lab
Classification: Pathogenic for Neurofibromatosis, type 1. Last evaluated: 2022-03-15. Review status: criteria provided, single submitter. Criteria: ACMG Guidelines, 2015. Collection method: clinical testing. Allele origin: germline. Affected: no.

Ambry Genetics
Classification: Likely pathogenic for Cardiovascular phenotype; Hereditary cancer-predisposing syndrome. Last evaluated: 2021-06-25. Review status: criteria provided, single submitter. Criteria: Ambry Variant Classification Scheme 2023. Collection method: clinical testing. Allele origin: germline.
Comment: The c.2325+3A>G intronic variant results from an A to G substitution 3 nucleotides after coding exon 19 in the NF1 gene. This variant was identified in 2 of 565 unrelated French probands with clinical diagnoses or suspicion of NF1; additionally, RNA studies demonstrated this alteration results in exon 19 skipping (reported as exon 14 using legacy numbering) (Sabbagh A et al. Hum Mutat, 2013 Nov;34:1510-8). This nucleotide position is well conserved in available vertebrate species. In silico splice site analysis predicts that this alteration will weaken the native splice donor site. This variant is considered to be rare based on population cohorts in the Genome Aggregation Database (gnomAD). Based on the majority of available evidence to date, this variant is likely to be pathogenic.

Institute of Medical Genetics and Applied Genomics, University Hospital Tübingen
Classification: Pathogenic. Last evaluated: 2021-02-01. Review status: criteria provided, single submitter. Criteria: ACMG Guidelines, 2015. Collection method: clinical testing. Allele origin: germline. Inheritance: Autosomal dominant inheritance. Affected: yes.

Revvity Omics, Revvity
Classification: Likely pathogenic. Last evaluated: 2021-01-01. Review status: criteria provided, single submitter. Criteria: ACMG Guidelines, 2015. Collection method: clinical testing. Allele origin: germline.

Literature cited by the submitters: PubMed 23913538 (cited by Labcorp Genetics (formerly Invitae), Labcorp); PubMed 17576681 (cited by Labcorp Genetics (formerly Invitae), Labcorp); PubMed 9536098 (cited by Labcorp Genetics (formerly Invitae), Labcorp).